The following is an entry in ClinVar:

NM_001330078.2(NRXN1):c.-951T>C

Gene: NRXN1 (neurexin 1; minus strand). Cytogenetic location: 2p16.3.
Variant type: single nucleotide variant.
Coding change: c.-951T>C on transcript NM_001330078.2 (MANE Select); 951 bases upstream of the start codon, T replaced by C.
Molecular consequence: 5 prime UTR variant.
Genome position (GRCh38, 1-based): chr2:51,032,010, A>G on the plus strand (T>C on the coding strand, the complement: NRXN1 is on the minus strand). VCF-style: chr2-51032010-A-G. GRCh37 (hg19) VCF-style: chr2-51259148-A-G.
Other names: c.-951T>C (NM_001330085.2, NM_001330086.2, NM_001330087.2 and 15 more transcripts).
Identifiers: ClinVar variation 336575 (VCV000336575.6), dbSNP rs2287235, ClinGen allele CA10614145.

ClinVar aggregate classification (germline): Benign. Review status: criteria provided, multiple submitters, no conflicts (2 of 4 stars). 2 submissions from 2 submitters: Benign (2). Last evaluated 2018-01-13.

Conditions:
Pitt-Hopkins-like syndrome 2 (PTHSL2). Identifiers: Orphanet 221150, Orphanet 600663, MedGen C3280479, MONDO:0013690, OMIM 614325.

Allele frequency attached by ClinVar (database versions not stated): gnomAD exomes 0.16667; gnomAD 0.17294 and 0.17913; TOPMed 0.17674; 1000 Genomes Project 30x 0.19753; 1000 Genomes Project 0.20228.
gnomAD v4.1: 27,234 of 152,042 alleles (18%); highest among the groups gnomAD compares: South Asian, 28%; 2,671 homozygotes.

Submissions (2):

Illumina Laboratory Services, Illumina
Classification: Benign for Pitt-Hopkins-like syndrome 2. Last evaluated: 2018-01-13. Review status: criteria provided, single submitter. Criteria: ICSL Variant Classification Criteria 13 December 2019. Collection method: clinical testing. Allele origin: germline.
Comment: This variant was observed in the ICSL laboratory as part of a predisposition screen in an ostensibly healthy population. It had not been previously curated by ICSL or reported in the Human Gene Mutation Database (HGMD: prior to June 1st, 2018), and was therefore a candidate for classification through an automated scoring system. Utilizing variant allele frequency, disease prevalence and penetrance estimates, and inheritance mode, an automated score was calculated to assess if this variant is too frequent to cause the disease. Based on the score and internal cut-off values, a variant classified as benign is not then subjected to further curation. The score for this variant resulted in a classification of benign for this disease.

Breakthrough Genomics
Classification: Benign. Review status: criteria provided, single submitter. Criteria: ACMG Guidelines, 2015. Collection method: not provided. Allele origin: germline. Inheritance: Autosomal recessive inheritance. Affected: yes.